The following is an entry in ClinVar:

ClinVar aggregate classification (germline): Uncertain significance (1 of 4 stars; one submission).

Conditions:
Anterior segment dysgenesis. Also called: Ocular anterior segment dysgenesis. Identifiers: Orphanet 88632, MedGen C1862839, MONDO:0019503, HP:0007700.
Congenital primary aphakia. Also called: Anterior segment dysgenesis 2, multiple subtypes; ANTERIOR SEGMENT DYSGENESIS 2. Identifiers: Orphanet 83461, MedGen C1853230, MONDO:0012456, OMIM 610256.

Submission:

Labcorp Genetics (formerly Invitae), Labcorp
Classification: Uncertain significance for Anterior segment dysgenesis; Congenital primary aphakia. Last evaluated: 2025-09-23. Review status: criteria provided, single submitter. Criteria: Invitae Variant Classification Sherloc (09022015). Collection method: clinical testing. Allele origin: germline.
Comment: This sequence change creates a premature translational stop signal (p.Gly277Alafs*30) in the FOXE3 gene. While this is not anticipated to result in nonsense mediated decay, it is expected to disrupt the last 43 amino acid(s) of the FOXE3 protein. This variant is not present in population databases (gnomAD no frequency). This variant has not been reported in the literature in individuals affected with FOXE3-related conditions. This variant disrupts a region of the FOXE3 protein in which other variant(s) (p.Ala293Glyfs*139) have been observed in individuals with FOXE3-related conditions (internal data). This suggests that this is a clinically significant region of the protein, and that variants that disrupt it are likely to be disease-causing. In summary, the available evidence is currently insufficient to determine the role of this variant in disease. Therefore, it has been classified as a Variant of Uncertain Significance.

NM_012186.3(FOXE3):c.828del (p.Gly277fs)

Genes: FOXE3 (forkhead box E3; plus strand), LINC01389 (long independently transcribed non-coding RNA 1389; minus strand). Cytogenetic location: 1p33.
Variant type: Deletion.
Coding change: c.828del on transcript NM_012186.3 (MANE Select); coding-DNA position 828, one base deleted (C; older notation c.828delC).
Protein change: p.Gly277fs; shifts the reading frame from glycine 277.
Molecular consequence: frameshift variant.
Genome position (GRCh38, 1-based): chr1:47,417,143, C deleted; the last of 4 consecutive C bases (chr1:47,417,140-47,417,143); deleting any one gives the same sequence. VCF-style (leftmost placement, unchanged base first): chr1-47417139-GC-G. GRCh37 (hg19) VCF-style: chr1-47882811-GC-G.
Other names: short protein forms G277fs.
Identifiers: ClinVar variation 4790186 (VCV004790186.1).